The following is an entry in ClinVar:

ClinVar aggregate classification (germline): Uncertain significance (1 of 4 stars; one submission).

Submission:

Women's Health and Genetics/Laboratory Corporation of America, LabCorp
Classification: Uncertain significance. Last evaluated: 2023-11-08. Review status: criteria provided, single submitter. Criteria: LabCorp Variant Classification Summary - May 2015. Collection method: clinical testing. Allele origin: germline.
Comment: Variant summary: GNB1 c.-16G>A is located in the untranslated mRNA region upstream of the initiation codon. The variant allele was found at a frequency of 4e-06 in 251332 control chromosomes. The available data on variant occurrences in the general population are insufficient to allow any conclusion about variant significance. To our knowledge, no occurrence of c.-16G>A in individuals affected with Intellectual Disability, Autosomal Dominant 42 and no experimental evidence demonstrating its impact on protein function have been reported. No submitters have cited clinical-significance assessments for this variant to ClinVar after 2014. Based on the evidence outlined above, the variant was classified as uncertain significance.

NM_002074.5(GNB1):c.-16G>A

Gene: GNB1 (G protein subunit beta 1; minus strand). Cytogenetic location: 1p36.33.
Variant type: single nucleotide variant.
Coding change: c.-16G>A on transcript NM_002074.5 (MANE Select); 16 bases upstream of the start codon, G replaced by A.
Molecular consequence: 5 prime UTR variant.
Genome position (GRCh38, 1-based): chr1:1,825,469, C>T on the plus strand (G>A on the coding strand, the complement: GNB1 is on the minus strand). VCF-style: chr1-1825469-C-T. GRCh37 (hg19) VCF-style: chr1-1756908-C-T.
Other names: c.-170G>A (NM_001282538.2); c.-16G>A (NM_001282539.2).
Identifiers: ClinVar variation 2682394 (VCV002682394.1), dbSNP rs1043426624, ClinGen allele CA16844069.